The following is an entry in ClinVar:

ClinVar aggregate classification (germline): Benign. Review status: criteria provided, multiple submitters, no conflicts (2 of 4 stars). 3 submissions from 3 submitters: Benign (2). 1 of the submissions does not count toward it. Last evaluated 2025-09-24.

Conditions:
SMARCA2-related disorder. Also called: SMARCA2-related condition.

Allele frequency attached by ClinVar (database versions not stated): gnomAD 0.00002; TOPMed 0.00005; ExAC 0.00013; gnomAD exomes 0.00015.
gnomAD v4.1: 45 of 1,613,830 alleles (0.0028%); highest among the groups gnomAD compares: Admixed American, 0.067%; no homozygotes.

Submissions (3):

Labcorp Genetics (formerly Invitae), Labcorp
Classification: Benign. Last evaluated: 2025-09-24. Review status: criteria provided, single submitter. Criteria: Invitae Variant Classification Sherloc (09022015). Collection method: clinical testing. Allele origin: germline.

GeneDx
Classification: Benign. Last evaluated: 2021-12-06. Review status: criteria provided, single submitter. Criteria: GeneDx Variant Classification Process June 2021. Collection method: clinical testing. Allele origin: germline. Affected: yes.

PreventionGenetics, part of Exact Sciences
Classification: Likely benign for SMARCA2-related condition. Last evaluated: 2019-11-04. Review status: no assertion criteria provided. Collection method: clinical testing. Allele origin: germline. Not counted in ClinVar's aggregate classification.
Comment: This variant is classified as likely benign based on ACMG/AMP sequence variant interpretation guidelines (Richards et al. 2015 PMID: 25741868, with internal and published modifications).

NM_003070.5(SMARCA2):c.2931G>A (p.Leu977=)

Gene: SMARCA2 (SWI/SNF related BAF chromatin remodeling complex subunit ATPase 2; plus strand). Cytogenetic location: 9p24.3.
Variant type: single nucleotide variant.
Coding change: c.2931G>A on transcript NM_003070.5 (MANE Select); coding-DNA position 2931, G replaced by A.
Protein change: p.Leu977=; no amino-acid change (leucine 977 retained).
Molecular consequence: synonymous variant.
Genome position (GRCh38, 1-based): chr9:2,096,704, G>A. VCF-style: chr9-2096704-G-A. GRCh37 (hg19) VCF-style: chr9-2096704-G-A.
Other names: c.2931G>A, p.Leu977= (NM_001289396.2, NM_139045.4); c.2757G>A, p.Leu919= (NM_001289397.2).
Identifiers: ClinVar variation 1327235 (VCV001327235.8), dbSNP rs758491724, ClinGen allele CA4963611.